The following is an entry in ClinVar:

ClinVar aggregate classification (germline): Uncertain significance (1 of 4 stars; one submission).

gnomAD v4.1: 1 of 1,614,236 alleles (0.000062%); highest among the groups gnomAD compares: Non-Finnish European, 0.000085%; no homozygotes.

Submission:

Labcorp Genetics (formerly Invitae), Labcorp
Classification: Uncertain significance. Last evaluated: 2025-09-09. Review status: criteria provided, single submitter. Criteria: Invitae Variant Classification Sherloc (09022015). Collection method: clinical testing. Allele origin: germline.
Comment: This sequence change replaces alanine, which is neutral and non-polar, with threonine, which is neutral and polar, at codon 1044 of the LRP5 protein (p.Ala1044Thr). This variant is not present in population databases (gnomAD no frequency). This variant has not been reported in the literature in individuals affected with LRP5-related conditions. Invitae Evidence Modeling of protein sequence and biophysical properties (such as structural, functional, and spatial information, amino acid conservation, physicochemical variation, residue mobility, and thermodynamic stability) indicates that this missense variant is not expected to disrupt LRP5 protein function with a negative predictive value of 95%. In summary, the available evidence is currently insufficient to determine the role of this variant in disease. Therefore, it has been classified as a Variant of Uncertain Significance.

NM_002335.4(LRP5):c.3130G>A (p.Ala1044Thr)

Gene: LRP5 (LDL receptor related protein 5; plus strand). Cytogenetic location: 11q13.2.
Variant type: single nucleotide variant.
Coding change: c.3130G>A on transcript NM_002335.4 (MANE Select); coding-DNA position 3130, G replaced by A.
Protein change: p.Ala1044Thr; replaces alanine 1044 with threonine.
Molecular consequence: missense variant.
Genome position (GRCh38, 1-based): chr11:68,423,591, G>A. VCF-style: chr11-68423591-G-A. GRCh37 (hg19) VCF-style: chr11-68191059-G-A.
Other names: c.1387G>A, p.Ala463Thr (NM_001291902.2); short protein forms A1044T, A463T.
Identifiers: ClinVar variation 4806565 (VCV004806565.1).
Genomic context (GRCh38, chr11:68,423,591, plus strand): 5'-AGGCAGCCCCACGACCTCAGCATCGACATCTACAGCCGGACACTGTTCTGGACGTGCGAG[G>A]CCACCAATACCATCAACGTCCACAGGCTGAGCGGGGAAGCCATGGGGGTGGTGCTGCGTG-3'
Protein context (NP_002326.2, residues 1034-1054): YSRTLFWTCE[Ala1044Thr]TNTINVHRLS